The following is an entry in ClinVar:

ClinVar aggregate classification (germline): Uncertain significance (1 of 4 stars; one submission).

Conditions:
Glycogen storage disease, type VI (GSD6). Also called: Glycogen storage disease type 6; Hepatic glycogen phosphorylase deficiency; HERS DISEASE; PHOSPHORYLASE DEFICIENCY GLYCOGEN-STORAGE DISEASE OF LIVER; Glycogen storage disease type 6, due to phosphorylation; GSD VI. Identifiers: Orphanet 369, MedGen C0017925, MONDO:0009294, OMIM 232700.

Allele frequency attached by ClinVar (database versions not stated): gnomAD 0.00002; TOPMed 0.00003.
gnomAD v4.1: 6 of 1,612,580 alleles (0.00037%); highest among the groups gnomAD compares: African/African-American, 0.0067%; no homozygotes.

Submission:

Labcorp Genetics (formerly Invitae), Labcorp
Classification: Uncertain significance for Glycogen storage disease, type VI. Last evaluated: 2020-12-02. Review status: criteria provided, single submitter. Criteria: Invitae Variant Classification Sherloc (09022015). Collection method: clinical testing. Allele origin: germline.
Comment: This variant has not been reported in the literature in individuals with PYGL-related conditions. In summary, the available evidence is currently insufficient to determine the role of this variant in disease. Therefore, it has been classified as a Variant of Uncertain Significance. This sequence change falls in intron 3 of the PYGL gene. It does not directly change the encoded amino acid sequence of the PYGL protein. This variant is not present in population databases (ExAC no frequency). Algorithms developed to predict the effect of sequence changes on RNA splicing suggest that this variant may create or strengthen a splice site.

NM_002863.5(PYGL):c.425-5T>G

Gene: PYGL (glycogen phosphorylase L; minus strand). Cytogenetic location: 14q22.1.
Variant type: single nucleotide variant.
Coding change: c.425-5T>G on transcript NM_002863.5 (MANE Select); 5 bases into the intron before coding-DNA position 425, T replaced by G.
Molecular consequence: intron variant.
Genome position (GRCh38, 1-based): chr14:50,931,781, A>C on the plus strand (T>G on the coding strand, the complement: PYGL is on the minus strand). VCF-style: chr14-50931781-A-C. GRCh37 (hg19) VCF-style: chr14-51398499-A-C.
Other names: c.323-5T>G (NM_001163940.2).
Identifiers: ClinVar variation 1370400 (VCV001370400.8), dbSNP rs1025550045, ClinGen allele CA260840072.